The following is an entry in ClinVar:

ClinVar aggregate classification (germline): Uncertain significance (1 of 4 stars; one submission).

Conditions:
Cardiovascular phenotype. Identifiers: MedGen CN230736.

Submission:

Ambry Genetics
Classification: Uncertain significance for Cardiovascular phenotype. Last evaluated: 2022-10-07. Review status: criteria provided, single submitter. Criteria: Ambry Variant Classification Scheme 2023. Collection method: clinical testing. Allele origin: germline.
Comment: The p.E983Q variant (also known as c.2947G>C), located in coding exon 16 of the SCN10A gene, results from a G to C substitution at nucleotide position 2947. The glutamic acid at codon 983 is replaced by glutamine, an amino acid with highly similar properties. This amino acid position is conserved. In addition, this alteration is predicted to be tolerated by in silico analysis. Since supporting evidence is limited at this time, the clinical significance of this alteration remains unclear.

NM_006514.4(SCN10A):c.2947G>C (p.Glu983Gln)

Genes: SCN10A (sodium voltage-gated channel alpha subunit 10; minus strand), LOC110121288 (VISTA enhancer hs2268; plus strand). Cytogenetic location: 3p22.2.
Variant type: single nucleotide variant.
Coding change: c.2947G>C on transcript NM_006514.4 (MANE Select); coding-DNA position 2947, G replaced by C.
Protein change: p.Glu983Gln; replaces glutamic acid 983 with glutamine.
Molecular consequence: missense variant.
Genome position (GRCh38, 1-based): chr3:38,726,746, C>G on the plus strand (G>C on the coding strand, the complement: SCN10A is on the minus strand). VCF-style: chr3-38726746-C-G. GRCh37 (hg19) VCF-style: chr3-38768237-C-G.
Other names: c.2653G>C, p.Glu885Gln (NM_001293307.2); c.2947G>C, p.Glu983Gln (NM_001293306.2); short protein forms E885Q, E983Q.
Identifiers: ClinVar variation 1797981 (VCV001797981.2), dbSNP rs1266734033, ClinGen allele CA352157659.